The following is an entry in ClinVar:

NM_182931.3(KMT2E):c.5497G>A (p.Val1833Met)

Gene: KMT2E (lysine methyltransferase 2E (inactive); plus strand). Cytogenetic location: 7q22.3.
Variant type: single nucleotide variant.
Coding change: c.5497G>A on transcript NM_182931.3 (MANE Select); coding-DNA position 5497, G replaced by A.
Protein change: p.Val1833Met; replaces valine 1833 with methionine.
Molecular consequence: missense variant.
Genome position (GRCh38, 1-based): chr7:105,113,253, G>A. VCF-style: chr7-105113253-G-A. GRCh37 (hg19) VCF-style: chr7-104753700-G-A.
Other names: c.5371G>A, p.Val1791Met (NM_001410908.1); c.5497G>A, p.Val1833Met (NM_018682.4); short protein forms V1833M, V1791M.
Identifiers: ClinVar variation 4724532 (VCV004724532.1).

ClinVar aggregate classification (germline): Uncertain significance (1 of 4 stars; one submission).

gnomAD v4.1: 1 of 1,614,208 alleles (0.000062%); highest among the groups gnomAD compares: Non-Finnish European, 0.000085%; no homozygotes.

Submission:

Labcorp Genetics (formerly Invitae), Labcorp
Classification: Uncertain significance. Last evaluated: 2025-07-31. Review status: criteria provided, single submitter. Criteria: Invitae Variant Classification Sherloc (09022015). Collection method: clinical testing. Allele origin: germline.
Comment: This sequence change replaces valine, which is neutral and non-polar, with methionine, which is neutral and non-polar, at codon 1833 of the KMT2E protein (p.Val1833Met). This variant is not present in population databases (gnomAD no frequency). This variant has not been reported in the literature in individuals affected with KMT2E-related conditions. An algorithm developed to predict the effect of missense changes on protein structure and function (PolyPhen-2) suggests that this variant is likely to be tolerated. In summary, the available evidence is currently insufficient to determine the role of this variant in disease. Therefore, it has been classified as a Variant of Uncertain Significance.